The following is an entry in ClinVar:

NM_001165963.4(SCN1A):c.3925C>T (p.Leu1309Phe)

Genes: SCN1A (sodium voltage-gated channel alpha subunit 1; minus strand), LOC102724058 (uncharacterized LOC102724058; plus strand). Cytogenetic location: 2q24.3.
Variant type: single nucleotide variant.
Coding change: c.3925C>T on transcript NM_001165963.4 (MANE Select); coding-DNA position 3925, C replaced by T.
Protein change: p.Leu1309Phe; replaces leucine 1309 with phenylalanine.
Molecular consequence: missense variant. On other transcripts: non-coding transcript variant (1).
Genome position (GRCh38, 1-based): chr2:166,009,796, G>A on the plus strand (C>T on the coding strand, the complement: SCN1A is on the minus strand). VCF-style: chr2-166009796-G-A. GRCh37 (hg19) VCF-style: chr2-166866306-G-A.
Other names: p.L1309F:CTT>TTT; c.3841C>T, p.Leu1281Phe (NM_001165964.3, NM_001353957.2, NM_001353958.2); c.3925C>T, p.Leu1309Phe (NM_001202435.3, NM_001353948.2); c.3892C>T, p.Leu1298Phe (NM_001353949.2, NM_001353950.2, NM_001353951.2 and 2 more transcripts); c.3889C>T, p.Leu1297Phe (NM_001353954.2, NM_001353955.2); c.3838C>T, p.Leu1280Phe (NM_001353960.2); c.1483C>T, p.Leu495Phe (NM_001353961.2); c.3925C>T (NM_001202435.1); short protein forms L1298F, L1309F, L1280F, L1281F, L495F, L1297F.
Identifiers: ClinVar variation 68625 (VCV000068625.26), dbSNP rs121918801, ClinGen allele CA266111.

ClinVar aggregate classification (germline): Conflicting classifications of pathogenicity. Review status: criteria provided, conflicting classifications (1 of 4 stars). 6 submissions from 6 submitters: Pathogenic (1); Likely pathogenic (2); Uncertain significance (2). 1 of the submissions does not count toward it. Last evaluated 2024-12-22.

Conditions:
Early-infantile DEE. Also called: Ohtahara syndrome; Early infantile epileptic encephalopathy with suppression bursts; Early infantile epileptic encephalopathy. Identifiers: Orphanet 1934, MedGen C0393706, MONDO:0800491.
SCN1A-related disorder. Also called: SCN1A-related disorders; SCN1A-related conditions; SCN1A-related condition.
Generalized epilepsy with febrile seizures plus, type 1 (GEFSP1). Also called: GEFS+, TYPE 1. Identifiers: Orphanet 36387, MedGen C1858672, MONDO:0011416, OMIM 604233.
Severe myoclonic epilepsy in infancy (DRVT). Also called: DEVELOPMENTAL AND EPILEPTIC ENCEPHALOPATHY 6A; Severe Myoclonic Epilepsy in Infancy (SMEI); Epileptic encephalopathy, early infantile, 6 (Dravet syndrome); SEVERE MYOCLONIC EPILEPSY OF INFANCY; Dravet syndrome. Identifiers: Orphanet 33069, MedGen C0751122, MONDO:0100135, OMIM 607208.

Allele frequency attached by ClinVar (database versions not stated): gnomAD exomes below 0.00001 and 0.00001; gnomAD 0.00001; TOPMed 0.00001.
gnomAD v4.1: 9 of 1,607,184 alleles (0.00056%); highest among the groups gnomAD compares: Non-Finnish European, 0.00077%; no homozygotes.

Submissions (6):

Labcorp Genetics (formerly Invitae), Labcorp
Classification: Pathogenic for Early-infantile DEE. Last evaluated: 2024-12-22. Review status: criteria provided, single submitter. Criteria: Invitae Variant Classification Sherloc (09022015). Collection method: clinical testing. Allele origin: germline.
Comment: This sequence change replaces leucine, which is neutral and non-polar, with phenylalanine, which is neutral and non-polar, at codon 1309 of the SCN1A protein (p.Leu1309Phe). This variant is present in population databases (rs121918801, gnomAD 0.0009%). This missense change has been observed in individual(s) with clinical features of epileptic encephalopathy (PMID: 20117752). ClinVar contains an entry for this variant (Variation ID: 68625). Invitae Evidence Modeling of protein sequence and biophysical properties (such as structural, functional, and spatial information, amino acid conservation, physicochemical variation, residue mobility, and thermodynamic stability) indicates that this missense variant is expected to disrupt SCN1A protein function with a positive predictive value of 95%. This variant disrupts the p.Leu1309 amino acid residue in SCN1A. Other variant(s) that disrupt this residue have been determined to be pathogenic (internal data). This suggests that this residue is clinically significant, and that variants that disrupt this residue are likely to be disease-causing. For these reasons, this variant has been classified as Pathogenic.

PreventionGenetics, part of Exact Sciences
Classification: Uncertain significance for SCN1A-related condition. Last evaluated: 2024-12-03. Review status: criteria provided, single submitter. Criteria: ACMG Guidelines, 2015. Collection method: clinical testing. Allele origin: germline.
Comment: The SCN1A c.3925C>T variant is predicted to result in the amino acid substitution p.Leu1309Phe. An alternate nucleotide change affecting the same amino acid (p.Leu1309Arg) has been reported in two siblings, one with Dravet syndrome and the other with GEFS+ (van Hugte et al. 2023. PubMed ID: 37467479). The amino acid residue Leu1309 of the SCN1A protein has been highly conserved during evolution. This variant is reported in 0.00089% of alleles in individuals of European (non-Finnish) descent in gnomAD. Although we suspect that this variant may be pathogenic, the clinical significance of this variant is currently classified as uncertain due to the absence of conclusive genetic and functional evidence.

CeGaT Center for Human Genetics Tuebingen
Classification: Likely pathogenic. Last evaluated: 2024-12-01. Review status: criteria provided, single submitter. Criteria: CeGaT Center For Human Genetics Tuebingen Variant Classification Criteria Version 2. Collection method: clinical testing. Allele origin: germline. Affected: yes. Observed: 1 variant allele.
Comment: SCN1A: PM2, PM5, PP3, PS4:Supporting

CENTOGENE GmbH and LLC - Guiding Precision Medicine
Classification: Likely pathogenic for Severe myoclonic epilepsy in infancy. Last evaluated: 2021-09-01. Review status: criteria provided, single submitter. Criteria: ACMG Guidelines, 2015. Collection method: clinical testing. Allele origin: germline. Affected: yes.

GeneDx
Classification: Uncertain significance. Last evaluated: 2013-10-03. Review status: criteria provided, single submitter. Criteria: GeneDx Variant Classification (06012015). Collection method: clinical testing. Allele origin: germline. Affected: yes.
Comment: The unaffected mother was negative for the variant; however, the father, who had a history of a single febrile seizure and generalized tonic-clonic seizures, was not tested (Dimova et al., 2009). Leu1309Phe was not observed in approximately 6,500 individuals of European and African American ancestry in the NHLBI Exome Sequencing Project, indicating it is not a common benign variant in these populations. This variant is a conservative amino acid substitution of one uncharged, non-polar amino acid for another. However, the variant alters a conserved position in the S4 subunit of the third transmembrane domain and other missense mutations associated with epilepsy have been reported in this region of the protein. In silico analysis is inconsistent with regard to the effect this variant may have on the protein structure/function. Therefore, based on the currently available information, it is unclear whether this variant is a pathogenic mutation or a rare benign variant. The variant is found in INFANT-EPI panel(s).

UniProtKB/Swiss-Prot
No classification provided. Condition: Generalized epilepsy with febrile seizures plus, type 1. Review status: no classification provided. Collection method: not provided. Allele origin: not provided. Not counted in ClinVar's aggregate classification.

Literature cited by the submitters: PubMed 20117752 (cited by Labcorp Genetics (formerly Invitae), Labcorp).